The following is an entry in ClinVar:

NM_014159.7(SETD2):c.6118C>T (p.Arg2040Ter)

Gene: SETD2 (SET domain containing 2, histone lysine methyltransferase; minus strand). Cytogenetic location: 3p21.31.
Variant type: single nucleotide variant.
Coding change: c.6118C>T on transcript NM_014159.7 (MANE Select); coding-DNA position 6118, C replaced by T.
Protein change: p.Arg2040Ter; replaces arginine 2040 with a stop codon.
Molecular consequence: nonsense. On other transcripts: non-coding transcript variant (1).
Genome position (GRCh38, 1-based): chr3:47,062,338, G>A on the plus strand (C>T on the coding strand, the complement: SETD2 is on the minus strand). VCF-style: chr3-47062338-G-A. GRCh37 (hg19) VCF-style: chr3-47103828-G-A.
Other names: c.5986C>T, p.Arg1996Ter (NM_001349370.3); short protein forms R1996*, R2040*.
Identifiers: ClinVar variation 4530259 (VCV004530259.2).
Genomic context (GRCh38, chr3:47,062,338, plus strand): 5'-ACCTATTAGGAGTCTTCGGGGCAGGTGTTTGATCTCTGAAGCCAACAGCATCCCTTCCTC[G>A]TTCAGTTGCTAAGGGAAAAGGGTGGTTTGTTTGTTTTTTTTTTTTTTAAGTTTATTTGGT-3'

ClinVar aggregate classification (germline): Likely pathogenic (1 of 4 stars; one submission).
ClinVar aggregate classification (somatic clinical impact): Tier II - Potential (1 of 4 stars; one submission).

Conditions:
SETD2-related disorder.
Pleomorphic xanthoastrocytoma (PXA). Identifiers: Orphanet 251607, MedGen C0334586, MONDO:0016690, HP:0033682.

Submissions (2):

Institute for Genomic Medicine (IGM) Clinical Laboratory, Nationwide Children's Hospital
Classification: Tier II - Potential for Pleomorphic xanthoastrocytoma. Assertion type: diagnostic. Clinical significance: supports diagnosis. Last evaluated: 2025-04-08. Review status: criteria provided, single submitter. Criteria: AMP/ASCO/CAP Guidelines, 2017. Collection method: clinical testing. Allele origin: somatic. Affected: yes.
Comment: Variant has Tier II (potential) clinical significance as a diagnostic inclusion criterion in pleomorphic xanthoastrocytoma, based on the following evidence: 1) Documented in one or more cancer databases (e.g., St. Jude Pecan, COSMIC, CIViC, OncoKB). 2) Information in the literature supports potential biologic effect of variant (PMIDs: 23417712, 24509477). 3) Diagnostic significance based on multiple small studies (Evidence Level C; PMIDs: 28912153, 30419952, 30861589).

Blueprint Genetics
Classification: Likely pathogenic for SETD2-related disorders. Last evaluated: 2022-11-04. Review status: criteria provided, single submitter. Criteria: ACMG Guidelines, 2015. Collection method: clinical testing. Allele origin: germline. Affected: yes. Observed: 3 variant alleles.

Literature cited by the submitters: PubMed 23417712 (cited by Institute for Genomic Medicine (IGM) Clinical Laboratory, Nationwide Children's Hospital); PubMed 24509477 (cited by Institute for Genomic Medicine (IGM) Clinical Laboratory, Nationwide Children's Hospital); PubMed 28912153 (cited by Institute for Genomic Medicine (IGM) Clinical Laboratory, Nationwide Children's Hospital); PubMed 30419952 (cited by Institute for Genomic Medicine (IGM) Clinical Laboratory, Nationwide Children's Hospital); PubMed 30861589 (cited by Institute for Genomic Medicine (IGM) Clinical Laboratory, Nationwide Children's Hospital).